The following is an entry in ClinVar:

ClinVar aggregate classification (germline): Uncertain significance. Review status: criteria provided, multiple submitters, no conflicts (2 of 4 stars). 2 submissions from 2 submitters: Uncertain significance (2). Last evaluated 2025-06-18.

Conditions:
Inborn genetic diseases. Identifiers: MedGen C0950123, MeSH D030342.
PMM2-congenital disorder of glycosylation. Also called: JAEKEN SYNDROME; PHOSPHOMANNOMUTASE 2 DEFICIENCY; CARBOHYDRATE-DEFICIENT GLYCOPROTEIN SYNDROME, TYPE Ia; Congenital disorder of glycosylation, type Ia; PMM2-CDG; CDG Ia. Identifiers: Orphanet 79318, MedGen C0349653, MONDO:0008907, OMIM 212065.

Allele frequency attached by ClinVar (database versions not stated): ExAC 0.00001; gnomAD 0.00001; gnomAD exomes 0.00001; TOPMed 0.00001.

Submissions (2):

Ambry Genetics
Classification: Uncertain significance for Inborn genetic diseases. Last evaluated: 2025-06-18. Review status: criteria provided, single submitter. Criteria: Ambry Variant Classification Scheme 2023. Collection method: clinical testing. Allele origin: germline.

Labcorp Genetics (formerly Invitae), Labcorp
Classification: Uncertain significance for PMM2-congenital disorder of glycosylation. Last evaluated: 2022-03-04. Review status: criteria provided, single submitter. Criteria: Invitae Variant Classification Sherloc (09022015). Collection method: clinical testing. Allele origin: germline.
Comment: This sequence change replaces isoleucine, which is neutral and non-polar, with valine, which is neutral and non-polar, at codon 110 of the PMM2 protein (p.Ile110Val). This variant is present in population databases (rs764707517, gnomAD 0.01%). This variant has not been reported in the literature in individuals affected with PMM2-related conditions. Algorithms developed to predict the effect of missense changes on protein structure and function output the following: SIFT: "Tolerated"; PolyPhen-2: "Benign"; Align-GVGD: "Class C0". The valine amino acid residue is found in multiple mammalian species, which suggests that this missense change does not adversely affect protein function. In summary, the available evidence is currently insufficient to determine the role of this variant in disease. Therefore, it has been classified as a Variant of Uncertain Significance.

NM_000303.3(PMM2):c.328A>G (p.Ile110Val)

Gene: PMM2 (phosphomannomutase 2; plus strand). Cytogenetic location: 16p13.2.
Variant type: single nucleotide variant.
Coding change: c.328A>G on transcript NM_000303.3 (MANE Select); coding-DNA position 328, A replaced by G.
Protein change: p.Ile110Val; replaces isoleucine 110 with valine.
Molecular consequence: missense variant.
Genome position (GRCh38, 1-based): chr16:8,806,388, A>G. VCF-style: chr16-8806388-A-G. GRCh37 (hg19) VCF-style: chr16-8900245-A-G.
Other names: c.328A>G (NM_000303.2); short protein forms I110V.
Identifiers: ClinVar variation 2145940 (VCV002145940.2), dbSNP rs764707517, ClinGen allele CA7894001.
Genomic context (GRCh38, chr16:8,806,388, plus strand): 5'-CATCTGGGTGAGGCCCTAATCCAAGATTTAATCAACTACTGTCTGAGCTACATTGCGAAA[A>G]TTAAACTCCCGAAGAAGAGGTGGGTTTGCTTTTAACAAAGAGGCGTCACAGGAACATAGC-3'
Protein context (NP_000294.1, residues 100-120): INYCLSYIAK[Ile110Val]KLPKKRGTFI